The following is an entry in ClinVar:

ClinVar aggregate classification (germline): Uncertain significance. Review status: criteria provided, multiple submitters, no conflicts (2 of 4 stars). 2 submissions from 2 submitters: Uncertain significance (2). Last evaluated 2024-12-12.

Conditions:
Inborn genetic diseases. Identifiers: MedGen C0950123, MeSH D030342.

Allele frequency attached by ClinVar (database versions not stated): TOPMed 0.00001; ExAC 0.00002; gnomAD 0.00002 and 0.00003; gnomAD exomes 0.00002 and 0.00003.
gnomAD v4.1: 31 of 1,614,120 alleles (0.0019%); highest among the groups gnomAD compares: South Asian, 0.014%; no homozygotes.

Submissions (2):

Ambry Genetics
Classification: Uncertain significance for Inborn genetic diseases. Last evaluated: 2024-12-12. Review status: criteria provided, single submitter. Criteria: Ambry Variant Classification Scheme 2023. Collection method: clinical testing. Allele origin: germline.

Labcorp Genetics (formerly Invitae), Labcorp
Classification: Uncertain significance. Last evaluated: 2023-10-15. Review status: criteria provided, single submitter. Criteria: Invitae Variant Classification Sherloc (09022015). Collection method: clinical testing. Allele origin: germline.
Comment: This sequence change replaces arginine, which is basic and polar, with glycine, which is neutral and non-polar, at codon 258 of the RIPK1 protein (p.Arg258Gly). This variant is present in population databases (rs779776431, gnomAD 0.02%). This variant has not been reported in the literature in individuals affected with RIPK1-related conditions. ClinVar contains an entry for this variant (Variation ID: 1491634). An algorithm developed to predict the effect of missense changes on protein structure and function (PolyPhen-2) suggests that this variant is likely to be tolerated. In summary, the available evidence is currently insufficient to determine the role of this variant in disease. Therefore, it has been classified as a Variant of Uncertain Significance.

NM_001354930.2(RIPK1):c.772A>G (p.Arg258Gly)

Gene: RIPK1 (receptor interacting serine/threonine kinase 1; plus strand). Cytogenetic location: 6p25.2.
Variant type: single nucleotide variant.
Coding change: c.772A>G on transcript NM_001354930.2 (MANE Select); coding-DNA position 772, A replaced by G.
Protein change: p.Arg258Gly; replaces arginine 258 with glycine.
Molecular consequence: missense variant.
Genome position (GRCh38, 1-based): chr6:3,085,342, A>G. VCF-style: chr6-3085342-A-G. GRCh37 (hg19) VCF-style: chr6-3085576-A-G.
Other names: c.772A>G (NM_003804.3); c.283A>G, p.Arg95Gly (NM_001317061.3, NM_001354932.2, NM_001354933.2 and 1 more transcripts); c.634A>G, p.Arg212Gly (NM_001354931.2); c.772A>G, p.Arg258Gly (NM_003804.6); short protein forms R258G, R212G, R95G.
Identifiers: ClinVar variation 1491634 (VCV001491634.9), dbSNP rs779776431, ClinGen allele CA3618287.
Genomic context (GRCh38, chr6:3,085,342, plus strand): 5'-ATAATGTGCATAAAATCTGGGAACAGGCCAGATGTGGATGACATCACTGAGTACTGCCCA[A>G]GAGAAATTATCAGTCTCATGAAGCTCTGCTGGGAAGCGAATCCGGAAGCTCGGCCGACAT-3'
Protein context (NP_001341859.1, residues 248-268): DVDDITEYCP[Arg258Gly]EIISLMKLCW